The following is an entry in ClinVar:

ClinVar aggregate classification (germline): Uncertain significance (1 of 4 stars; one submission).

Submission:

GeneDx
Classification: Uncertain significance. Last evaluated: 2025-07-22. Review status: criteria provided, single submitter. Criteria: GeneDx Variant Classification Process June 2021. Collection method: clinical testing. Allele origin: germline. Affected: yes.
Comment: Not observed at significant frequency in large population cohorts (gnomAD); In silico analysis supports a deleterious effect on splicing; In silico analysis suggests that this missense variant does not alter protein structure/function; Has not been previously published as pathogenic or benign to our knowledge

NM_014738.6(TMEM94):c.611A>G (p.Lys204Arg)

Gene: TMEM94 (transmembrane protein 94; plus strand). Cytogenetic location: 17q25.1.
Variant type: single nucleotide variant.
Coding change: c.611A>G on transcript NM_014738.6 (MANE Select); coding-DNA position 611, A replaced by G.
Protein change: p.Lys204Arg; replaces lysine 204 with arginine.
Molecular consequence: missense variant.
Genome position (GRCh38, 1-based): chr17:75,488,133, A>G. VCF-style: chr17-75488133-A-G. GRCh37 (hg19) VCF-style: chr17-73484214-A-G.
Other names: c.641A>G, p.Lys214Arg (NM_001321148.2, NM_001351203.2, NM_001438843.1 and 1 more transcripts); c.611A>G, p.Lys204Arg (NM_001321149.2, NM_001351202.2, NM_001438841.1 and 5 more transcripts); short protein forms K204R, K214R.
Identifiers: ClinVar variation 4687006 (VCV004687006.1).